The following is an entry in ClinVar:

ClinVar aggregate classification (germline): Uncertain significance. Review status: criteria provided, multiple submitters, no conflicts (2 of 4 stars). 5 submissions from 5 submitters: Uncertain significance (5). Last evaluated 2025-12-09.

Conditions:
Familial adenomatous polyposis 1 (FAP1). Also called: POLYPOSIS, ADENOMATOUS INTESTINAL; FAMILIAL ADENOMATOUS POLYPOSIS 1, ATTENUATED. Identifiers: MedGen C2713442, MONDO:0021056, OMIM 175100. Disease mechanism: loss of function.
Hereditary cancer-predisposing syndrome. Also called: Hereditary Cancer Syndrome; Neoplastic Syndromes, Hereditary; Tumor predisposition; Hereditary neoplastic syndrome. Identifiers: Orphanet 140162, MedGen C0027672, MeSH D009386, MONDO:0015356.
Classic or attenuated familial adenomatous polyposis. Identifiers: MedGen CN372698, MONDO:0021057.

Allele frequency attached by ClinVar (database versions not stated): gnomAD exomes below 0.00001; TOPMed below 0.00001; ExAC 0.00001.
gnomAD v4.1: 2 of 1,613,996 alleles (0.00012%); highest among the groups gnomAD compares: South Asian, 0.0022%; no homozygotes.

Submissions (5):

Labcorp Genetics (formerly Invitae), Labcorp
Classification: Uncertain significance for Familial adenomatous polyposis 1. Last evaluated: 2025-12-09. Review status: criteria provided, single submitter. Criteria: Invitae Variant Classification Sherloc (09022015). Collection method: clinical testing. Allele origin: germline.
Comment: This sequence change replaces histidine, which is basic and polar, with arginine, which is basic and polar, at codon 2116 of the APC protein (p.His2116Arg). This variant is present in population databases (rs760961536, gnomAD 0.003%). This variant has not been reported in the literature in individuals affected with APC-related conditions. ClinVar contains an entry for this variant (Variation ID: 490333). Invitae Evidence Modeling of protein sequence and biophysical properties (such as structural, functional, and spatial information, amino acid conservation, physicochemical variation, residue mobility, and thermodynamic stability) indicates that this missense variant is not expected to disrupt APC protein function with a negative predictive value of 95%. In summary, the available evidence is currently insufficient to determine the role of this variant in disease. Therefore, it has been classified as a Variant of Uncertain Significance.

Color Diagnostics, LLC DBA Color Health
Classification: Uncertain significance for Hereditary cancer-predisposing syndrome. Last evaluated: 2024-03-06. Review status: criteria provided, single submitter. Criteria: ACMG Guidelines, 2015. Collection method: clinical testing. Allele origin: germline.
Comment: This missense variant replaces histidine with arginine at codon 2116 of the APC protein. Computational prediction suggests that this variant may have deleterious impact on protein structure and function (internally defined REVEL score threshold >= 0.7, PMID: 27666373). To our knowledge, functional studies have not been reported for this variant. This variant has not been reported in individuals affected with APC-related disorders in the literature. This variant has been identified in 1/250912 chromosomes in the general population by the Genome Aggregation Database (gnomAD). The available evidence is insufficient to determine the role of this variant in disease conclusively. Therefore, this variant is classified as a Variant of Uncertain Significance.

Ambry Genetics
Classification: Uncertain significance for Hereditary cancer-predisposing syndrome. Last evaluated: 2023-12-07. Review status: criteria provided, single submitter. Criteria: Ambry Variant Classification Scheme 2023. Collection method: clinical testing. Allele origin: germline.
Comment: The p.H2116R variant (also known as c.6347A>G), located in coding exon 15 of the APC gene, results from an A to G substitution at nucleotide position 6347. The histidine at codon 2116 is replaced by arginine, an amino acid with highly similar properties. This amino acid position is well conserved in available vertebrate species. In addition, in silico predictors for this gene do not accurately predict pathogenicity. Since supporting evidence is limited at this time, the clinical significance of this alteration remains unclear.

All of Us Research Program, National Institutes of Health
Classification: Uncertain significance for Classic or attenuated familial adenomatous polyposis. Last evaluated: 2023-11-30. Review status: criteria provided, single submitter. Criteria: ACMG Guidelines, 2015. Collection method: clinical testing. Allele origin: germline. Inheritance: Autosomal dominant inheritance. Observed: 2 variant alleles, 2 heterozygotes.
Comment: This missense variant replaces histidine with arginine at codon 2116 of the APC protein. Computational prediction suggests that this variant may have deleterious impact on protein structure and function (internally defined REVEL score threshold >= 0.7, PMID: 27666373). To our knowledge, functional studies have not been reported for this variant. This variant has not been reported in individuals affected with APC-related disorders in the literature. This variant has been identified in 1/250912 chromosomes in the general population by the Genome Aggregation Database (gnomAD). The available evidence is insufficient to determine the role of this variant in disease conclusively. Therefore, this variant is classified as a Variant of Uncertain Significance.

This study involves interpretation of variants in research participants for the purpose of population health screening. Participant phenotype was not available at the time of variant classification. Additional details can be found in publication PMID: 35346344, PMCID: PMC8962531

KCCC/NGS Laboratory, Kuwait Cancer Control Center
Classification: Uncertain significance for Familial adenomatous polyposis 1. Last evaluated: 2023-07-07. Review status: criteria provided, single submitter. Criteria: ACMG Guidelines, 2015. Collection method: clinical testing. Allele origin: unknown. Affected: yes.
Comment: APC p.His2116Arg: This variant (also known as c.6347A>G), located in coding exon 15 of the APC gene, results from an A to G substitution at nucleotide position 6347. The histidine at codon 2116 is replaced by arginine, an amino acid with highly similar properties. This amino acid position is well conserved in available vertebrate species. In addition, the in silico prediction for this alteration show pathogenic computational verdict based on 11 pathogenic predictions from BayesDel_addAF, DANN, DEOGEN2, EIGEN, FATHMM-MKL, LIST-S2, M-CAP, MVP, MutationTaster, REVEL and SIFT vs 2 benign predictions from MutationAssessor and PrimateAI. This variant is not found in gnomAD genomes. There is a ClinVar entry for this variant with two submissions both of which describe it as variant on uncertain significance (Variation ID: 185274). Therefore, this variant is classified as of uncertain significance.

NM_000038.6(APC):c.6347A>G (p.His2116Arg)

Gene: APC (APC regulator of Wnt signaling pathway; plus strand). Cytogenetic location: 5q22.2.
Variant type: single nucleotide variant.
Coding change: c.6347A>G on transcript NM_000038.6 (MANE Select); coding-DNA position 6347, A replaced by G.
Protein change: p.His2116Arg; replaces histidine 2116 with arginine.
Molecular consequence: missense variant.
Genome position (GRCh38, 1-based): chr5:112,841,941, A>G. VCF-style: chr5-112841941-A-G. GRCh37 (hg19) VCF-style: chr5-112177638-A-G.
Other names: c.6347A>G, p.His2116Arg (NM_001127510.3, NM_001354895.2); c.6293A>G, p.His2098Arg (NM_001127511.3); c.6401A>G, p.His2134Arg (NM_001354896.2); c.6377A>G, p.His2126Arg (NM_001354897.2); c.6272A>G, p.His2091Arg (NM_001354898.2); c.6263A>G, p.His2088Arg (NM_001354899.2); c.6224A>G, p.His2075Arg (NM_001354900.2); c.6170A>G, p.His2057Arg (NM_001354901.2); and 5 more; short protein forms H2098R, H2116R, H2015R, H1956R, H2075R, H2088R, H2134R, H2025R.
Identifiers: ClinVar variation 490333 (VCV000490333.22), dbSNP rs760961536, ClinGen allele CA044378.